The following is an entry in ClinVar:

NM_000090.4(COL3A1):c.3984T>C (p.Phe1328=)

Gene: COL3A1 (collagen type III alpha 1 chain; plus strand). Cytogenetic location: 2q32.2.
Variant type: single nucleotide variant.
Coding change: c.3984T>C on transcript NM_000090.4 (MANE Select); coding-DNA position 3984, T replaced by C.
Protein change: p.Phe1328=; no amino-acid change (phenylalanine 1328 retained).
Molecular consequence: synonymous variant.
Genome position (GRCh38, 1-based): chr2:189,010,338, T>C. VCF-style: chr2-189010338-T-C. GRCh37 (hg19) VCF-style: chr2-189875064-T-C.
Identifiers: ClinVar variation 390023 (VCV000390023.5), dbSNP rs749456336, ClinGen allele CA16604279.

ClinVar aggregate classification (germline): Likely benign. Review status: criteria provided, multiple submitters, no conflicts (2 of 4 stars). 3 submissions from 3 submitters: Likely benign (3). Last evaluated 2023-07-13.

Conditions:
Ehlers-Danlos syndrome, type 4 (EDSVASC). Also called: Ehlers-Danlos Syndrome Type IV; Ehlers-Danlos syndrome vascular type; Ehlers Danlos syndrome, ecchymotic type; Ehlers Danlos syndrome, arterial type; Ehlers Danlos syndrome, Sack-Barabas type. Identifiers: Orphanet 286, MedGen C0268338, MONDO:0017314, OMIM 130050.

Allele frequency attached by ClinVar (database versions not stated): gnomAD exomes 0.00004.
gnomAD v4.1: 35 of 1,614,158 alleles (0.0022%); highest among the groups gnomAD compares: Non-Finnish European, 0.003%; no homozygotes.

Submissions (3):

Labcorp Genetics (formerly Invitae), Labcorp
Classification: Likely benign for Ehlers-Danlos syndrome, type 4. Last evaluated: 2023-07-13. Review status: criteria provided, single submitter. Criteria: Invitae Variant Classification Sherloc (09022015). Collection method: clinical testing. Allele origin: germline.

All of Us Research Program, National Institutes of Health
Classification: Likely benign for Ehlers-Danlos syndrome, type 4. Last evaluated: 2023-03-09. Review status: criteria provided, single submitter. Criteria: ACMG Guidelines, 2015. Collection method: clinical testing. Allele origin: germline. Inheritance: Autosomal dominant inheritance. Observed: 1 variant allele, 1 heterozygote.
Comment: This study involves interpretation of variants in research participants for the purpose of population health screening. Participant phenotype was not available at the time of variant classification. Additional details can be found in publication PMID: 35346344, PMCID: PMC8962531

GeneDx
Classification: Likely benign. Last evaluated: 2016-10-14. Review status: criteria provided, single submitter. Criteria: GeneDx Variant Classification (06012015). Collection method: clinical testing. Allele origin: germline. Affected: yes.
Comment: This variant is considered likely benign or benign based on one or more of the following criteria: it is a conservative change, it occurs at a poorly conserved position in the protein, it is predicted to be benign by multiple in silico algorithms, and/or has population frequency not consistent with disease.